The following is an entry in ClinVar:

NM_000540.3(RYR1):c.131G>C (p.Arg44Pro)

Gene: RYR1 (ryanodine receptor 1; plus strand). Cytogenetic location: 19q13.2.
Variant type: single nucleotide variant.
Coding change: c.131G>C on transcript NM_000540.3 (MANE Select); coding-DNA position 131, G replaced by C.
Protein change: p.Arg44Pro; replaces arginine 44 with proline.
Molecular consequence: missense variant.
Genome position (GRCh38, 1-based): chr19:38,440,830, G>C. VCF-style: chr19-38440830-G-C. GRCh37 (hg19) VCF-style: chr19-38931470-G-C.
Other names: c.131G>C, p.Arg44Pro (NM_001042723.2); short protein forms R44P.
Identifiers: ClinVar variation 2829750 (VCV002829750.3), dbSNP rs139161723, ClinGen allele CA405671989.

ClinVar aggregate classification (germline): Likely pathogenic (1 of 4 stars; one submission).

Conditions:
RYR1-related disorder. Also called: RYR1-related condition; RYR1-related disorders. Identifiers: MedGen CN239331.

gnomAD v4.1: 1 of 1,611,224 alleles (0.000062%); highest among the groups gnomAD compares: Non-Finnish European, 0.000085%; no homozygotes.

Submission:

Labcorp Genetics (formerly Invitae), Labcorp
Classification: Likely pathogenic for RYR1-related disorder. Last evaluated: 2023-01-17. Review status: criteria provided, single submitter. Criteria: Invitae Variant Classification Sherloc (09022015). Collection method: clinical testing. Allele origin: germline.
Comment: This sequence change replaces arginine, which is basic and polar, with proline, which is neutral and non-polar, at codon 44 of the RYR1 protein (p.Arg44Pro). In summary, the currently available evidence indicates that the variant is pathogenic, but additional data are needed to prove that conclusively. Therefore, this variant has been classified as Likely Pathogenic. This variant disrupts the p.Arg44 amino acid residue in RYR1. Other variant(s) that disrupt this residue have been determined to be pathogenic (PMID: 12709367, 16835904, 16917943, 23459219, 24433488; Invitae). This suggests that this residue is clinically significant, and that variants that disrupt this residue are likely to be disease-causing. Advanced modeling of protein sequence and biophysical properties (such as structural, functional, and spatial information, amino acid conservation, physicochemical variation, residue mobility, and thermodynamic stability) performed at Invitae indicates that this missense variant is expected to disrupt RYR1 protein function. This variant has not been reported in the literature in individuals affected with RYR1-related conditions. This variant is not present in population databases (gnomAD no frequency).

Literature cited by the submitters: PubMed 12709367; PubMed 16835904; PubMed 16917943; PubMed 23459219; PubMed 24433488.